The following is an entry in ClinVar:

ClinVar aggregate classification (germline): Uncertain significance. Review status: criteria provided, multiple submitters, no conflicts (2 of 4 stars). 4 submissions from 4 submitters: Uncertain significance (4). Last evaluated 2025-10-03.

Conditions:
Familial thoracic aortic aneurysm and aortic dissection (TAAD). Also called: Thoracic aortic aneurysms and dissections. Identifiers: Orphanet 91387, MedGen C4707243, MONDO:0019625.
Shprintzen-Goldberg syndrome (SGS). Also called: Marfanoid disorder with craniosynostosis type 1; Marfanoid craniosynostosis syndrome; Shprintzen-Goldberg marfanoid syndrome; SHPRINTZEN-GOLDBERG CRANIOSYNOSTOSIS SYNDROME; CRANIOSYNOSTOSIS WITH ARACHNODACTYLY AND ABDOMINAL HERNIAS. Identifiers: Orphanet 2462, MedGen C1321551, MONDO:0008426, OMIM 182212.

Allele frequency attached by ClinVar (database versions not stated): gnomAD 0.00002; TOPMed 0.00002; ESP Exome Variant Server 0.00008.
gnomAD v4.1: 40 of 1,613,418 alleles (0.0025%); highest among the groups gnomAD compares: Non-Finnish European, 0.0026%; no homozygotes.

Submissions (4):

GeneDx
Classification: Uncertain significance. Last evaluated: 2025-10-03. Review status: criteria provided, single submitter. Criteria: GeneDx Variant Classification Process June 2021. Collection method: clinical testing. Allele origin: germline. Affected: yes.
Comment: Has been reported as a variant of uncertain significance in an individual with ascending aortic aneurysm (PMID: 29543232); Not observed at significant frequency in large population cohorts (gnomAD); In silico analysis suggests that this missense variant does not alter protein structure/function; This variant is associated with the following publications: (PMID: 29543232)

Labcorp Genetics (formerly Invitae), Labcorp
Classification: Uncertain significance for Shprintzen-Goldberg syndrome. Last evaluated: 2025-07-27. Review status: criteria provided, single submitter. Criteria: Invitae Variant Classification Sherloc (09022015). Collection method: clinical testing. Allele origin: germline.
Comment: This sequence change replaces arginine, which is basic and polar, with tryptophan, which is neutral and slightly polar, at codon 357 of the SKI protein (p.Arg357Trp). This variant is not present in population databases (gnomAD no frequency). This missense change has been observed in individual(s) with thoracic aortic aneurysm or dissection (PMID: 29543232). ClinVar contains an entry for this variant (Variation ID: 463392). Invitae Evidence Modeling of protein sequence and biophysical properties (such as structural, functional, and spatial information, amino acid conservation, physicochemical variation, residue mobility, and thermodynamic stability) indicates that this missense variant is not expected to disrupt SKI protein function with a negative predictive value of 95%. In summary, the available evidence is currently insufficient to determine the role of this variant in disease. Therefore, it has been classified as a Variant of Uncertain Significance.

CeGaT Center for Human Genetics Tuebingen
Classification: Uncertain significance. Last evaluated: 2024-05-01. Review status: criteria provided, single submitter. Criteria: CeGaT Center For Human Genetics Tuebingen Variant Classification Criteria Version 2. Collection method: clinical testing. Allele origin: germline. Affected: yes. Observed: 1 variant allele.
Comment: SKI: PM2

Ambry Genetics
Classification: Uncertain significance for Familial thoracic aortic aneurysm and aortic dissection. Last evaluated: 2022-05-12. Review status: criteria provided, single submitter. Criteria: Ambry Variant Classification Scheme 2023. Collection method: clinical testing. Allele origin: germline.
Comment: The p.R357W variant (also known as c.1069C>T), located in coding exon 2 of the SKI gene, results from a C to T substitution at nucleotide position 1069. The arginine at codon 357 is replaced by tryptophan, an amino acid with dissimilar properties. This variant has been detected in an individual with ascending aortic aneurysm (Weerakkody R et al. Genet Med. 2018 11;20(11):1414-1422). This amino acid position is well conserved in available vertebrate species. In addition, this alteration is predicted to be deleterious by in silico analysis. Since supporting evidence is limited at this time, the clinical significance of this alteration remains unclear.

Literature cited by the submitters: PubMed 29543232 (cited by Labcorp Genetics (formerly Invitae), Labcorp and Ambry Genetics).

NM_003036.4(SKI):c.1069C>T (p.Arg357Trp)

Gene: SKI (SKI proto-oncogene; plus strand). Cytogenetic location: 1p36.32.
Variant type: single nucleotide variant.
Coding change: c.1069C>T on transcript NM_003036.4 (MANE Select); coding-DNA position 1069, C replaced by T.
Protein change: p.Arg357Trp; replaces arginine 357 with tryptophan.
Molecular consequence: missense variant.
Genome position (GRCh38, 1-based): chr1:2,303,077, C>T. VCF-style: chr1-2303077-C-T. GRCh37 (hg19) VCF-style: chr1-2234516-C-T.
Other names: short protein forms R357W.
Identifiers: ClinVar variation 463392 (VCV000463392.33), dbSNP rs370418830, ClinGen allele CA16895340.
Genomic context (GRCh38, chr1:2,303,077, plus strand): 5'-GATGACACCTCTTCCCAGTCCCCCGCGCCTTCCGAAAAGGACAAGCCGTCCAGCTGGCTG[C>T]GGACCTTGGCCGGCTCTTCCAATAAGGTGCTGTGGGGCCTGTCGGGGTCCTTGGGGTGGT-3'
Protein context (NP_003027.1, residues 347-367): SEKDKPSSWL[Arg357Trp]TLAGSSNKSL